The following is an entry in ClinVar:

NM_014588.6(VSX1):c.*3C>A

Gene: VSX1 (visual system homeobox 1; minus strand). Cytogenetic location: 20p11.21.
Variant type: single nucleotide variant.
Coding change: c.*3C>A on transcript NM_014588.6 (MANE Select); 3 bases downstream of the stop codon, C replaced by A.
Molecular consequence: 3 prime UTR variant. On other transcripts: non-coding transcript variant (2), intron variant (2).
Genome position (GRCh38, 1-based): chr20:25,076,258, G>T on the plus strand (C>A on the coding strand, the complement: VSX1 is on the minus strand). VCF-style: chr20-25076258-G-T. GRCh37 (hg19) VCF-style: chr20-25056894-G-T.
Other names: c.*3C>A (NM_001378633.1); c.627+2571C>A (NM_001256271.2); c.808+1427C>A (NM_001256272.2).
Identifiers: ClinVar variation 337956 (VCV000337956.5), dbSNP rs201807082, ClinGen allele CA9793434.
Genomic context (GRCh38, chr20:25,076,258, plus strand): 5'-TTTTGGAAAATGCCAGTGAGGAATATGCACATTTTCAGCCTTTGACAGTGGGACCTGTGG[G>T]TCTCATGTGGCTCCCACCTTCCCTGGCTGGGGCCCCTCCAGTGCCGTGGAGTTGGAGCCT-3'

ClinVar aggregate classification (germline): Likely benign (1 of 4 stars; one submission).

Conditions:
Posterior polymorphous corneal dystrophy. Also called: CORNEAL DYSTROPHY, HEREDITARY POLYMORPHOUS POSTERIOR; Polymorphous corneal dystrophy. Identifiers: Orphanet 98973, MedGen C0339284, MONDO:0020364, HP:0007915.

Allele frequency attached by ClinVar (database versions not stated): ExAC 0.00005; gnomAD 0.00005; TOPMed 0.00006; gnomAD exomes 0.00008 and 0.00014; 1000 Genomes Project 30x 0.00016; 1000 Genomes Project 0.00020.
gnomAD v4.1: 213 of 1,614,058 alleles (0.013%); highest among the groups gnomAD compares: Non-Finnish European, 0.017%; no homozygotes.

Submission:

Illumina Laboratory Services, Illumina
Classification: Likely benign for Polymorphous corneal dystrophy. Last evaluated: 2017-04-27. Review status: criteria provided, single submitter. Criteria: ICSL Variant Classification Criteria 13 December 2019. Collection method: clinical testing. Allele origin: germline.
Comment: This variant was observed as part of a predisposition screen in an ostensibly healthy population. A literature search was performed for the gene, cDNA change, and amino acid change (where applicable). No publications were found based on this search. Allele frequency data from public databases allowed determination this variant is unlikely to cause disease. Therefore, this variant is classified as likely benign.